The following is an entry in ClinVar:

ClinVar aggregate classification (germline): Uncertain significance. Review status: criteria provided, multiple submitters, no conflicts (2 of 4 stars). 3 submissions from 3 submitters: Uncertain significance (3). Last evaluated 2026-01-14.

Conditions:
Polymerase proofreading-related adenomatous polyposis. Also called: Polymerase proofreading associated polyposis; Polymerase proofreading–associated polyposis (PPAP). Identifiers: Orphanet 447877, MedGen C5202613, MONDO:0018653.
Hereditary cancer-predisposing syndrome. Also called: Hereditary neoplastic syndrome; Tumor predisposition; Neoplastic Syndromes, Hereditary; Hereditary Cancer Syndrome. Identifiers: Orphanet 140162, MedGen C0027672, MeSH D009386, MONDO:0015356.

Allele frequency attached by ClinVar (database versions not stated): TOPMed 0.00002; gnomAD 0.00002.
gnomAD v4.1: 7 of 1,614,046 alleles (0.00043%); highest among the groups gnomAD compares: African/African-American, 0.0013%; no homozygotes.

Submissions (3):

Labcorp Genetics (formerly Invitae), Labcorp
Classification: Uncertain significance. Last evaluated: 2026-01-14. Review status: criteria provided, single submitter. Criteria: Invitae Variant Classification Sherloc (09022015). Collection method: clinical testing. Allele origin: germline.
Comment: This sequence change replaces asparagine, which is neutral and polar, with aspartic acid, which is acidic and polar, at codon 1981 of the POLE protein (p.Asn1981Asp). This variant is present in population databases (no rsID available, gnomAD 0.002%). This variant has not been reported in the literature in individuals affected with POLE-related conditions. ClinVar contains an entry for this variant (Variation ID: 654568). Invitae Evidence Modeling of protein sequence and biophysical properties (such as structural, functional, and spatial information, amino acid conservation, physicochemical variation, residue mobility, and thermodynamic stability) indicates that this missense variant is not expected to disrupt POLE protein function with a negative predictive value of 80%. In summary, the available evidence is currently insufficient to determine the role of this variant in disease. Therefore, it has been classified as a Variant of Uncertain Significance.

Ambry Genetics
Classification: Uncertain significance for Hereditary cancer-predisposing syndrome. Last evaluated: 2025-10-05. Review status: criteria provided, single submitter. Criteria: Ambry Variant Classification Scheme 2023. Collection method: clinical testing. Allele origin: germline.
Comment: The p.N1981D variant (also known as c.5941A>G), located in coding exon 43 of the POLE gene, results from an A to G substitution at nucleotide position 5941. The asparagine at codon 1981 is replaced by aspartic acid, an amino acid with highly similar properties. This amino acid position is conserved. In addition, this alteration is predicted to be tolerated by in silico analysis. Since supporting evidence is limited at this time, the clinical significance of this alteration remains unclear.

Department of Pathology and Laboratory Medicine, Sinai Health System
Classification: Uncertain significance for Polymerase proofreading-related adenomatous polyposis. Last evaluated: 2022-12-01. Review status: criteria provided, single submitter. Criteria: ACMG Guidelines, 2015. Collection method: clinical testing. Allele origin: germline. Affected: yes.

NM_006231.4(POLE):c.5941A>G (p.Asn1981Asp)

Gene: POLE (DNA polymerase epsilon, catalytic subunit; minus strand). Cytogenetic location: 12q24.33.
Variant type: single nucleotide variant.
Coding change: c.5941A>G on transcript NM_006231.4 (MANE Select); coding-DNA position 5941, A replaced by G.
Protein change: p.Asn1981Asp; replaces asparagine 1981 with aspartic acid.
Molecular consequence: missense variant.
Genome position (GRCh38, 1-based): chr12:132,634,249, T>C on the plus strand (A>G on the coding strand, the complement: POLE is on the minus strand). VCF-style: chr12-132634249-T-C. GRCh37 (hg19) VCF-style: chr12-133210835-T-C.
Other names: short protein forms N1981D.
Identifiers: ClinVar variation 654568 (VCV000654568.13), dbSNP rs888148550, ClinGen allele CA246295368.
Genomic context (GRCh38, chr12:132,634,249, plus strand): 5'-AAACAATCATGAGGAAGTAGTTCTGGCAGGAGGCTGCCTGTGGCAAAAACTGCAAAATGT[T>C]CCAGTTGTTTTCCAGTAAATCCTCCACGTTGGATTCCTCCGCCTCTTCCTCCTCCTCCCC-3'
Protein context (NP_006222.2, residues 1971-1991): NVEDLLENNW[Asn1981Asp]ILQFLPQAAS